The following is an entry in ClinVar:

ClinVar aggregate classification (germline): Likely pathogenic. Review status: criteria provided, multiple submitters, no conflicts (2 of 4 stars). 2 submissions from 2 submitters: Likely pathogenic (2). Last evaluated 2023-08-04.

Conditions:
Glycosylphosphatidylinositol biosynthesis defect 15. Also called: DEVELOPMENTAL DELAY, EPILEPSY, CEREBELLAR ATROPHY, AND OSTEOPENIA. Identifiers: Orphanet 529665, MedGen C4540520, MONDO:0060627, OMIM 617810.

Allele frequency attached by ClinVar (database versions not stated): gnomAD exomes below 0.00001.
gnomAD v4.1: 2 of 1,612,770 alleles (0.00012%); highest among the groups gnomAD compares: East Asian, 0.0045%; no homozygotes.

Submissions (2):

Labcorp Genetics (formerly Invitae), Labcorp
Classification: Likely pathogenic. Last evaluated: 2023-08-04. Review status: criteria provided, single submitter. Criteria: Invitae Variant Classification Sherloc (09022015). Collection method: clinical testing. Allele origin: germline.
Comment: In summary, the currently available evidence indicates that the variant is pathogenic, but additional data are needed to prove that conclusively. Therefore, this variant has been classified as Likely Pathogenic. Algorithms developed to predict the effect of sequence changes on RNA splicing suggest that this variant may disrupt the consensus splice site. ClinVar contains an entry for this variant (Variation ID: 1324502). This variant has not been reported in the literature in individuals affected with GPAA1-related conditions. This variant is present in population databases (no rsID available, gnomAD 0.006%). This sequence change affects a donor splice site in intron 5 of the GPAA1 gene. It is expected to disrupt RNA splicing. Variants that disrupt the donor or acceptor splice site typically lead to a loss of protein function (PMID: 16199547), and loss-of-function variants in GPAA1 are known to be pathogenic (PMID: 29100095).

Revvity Omics, Revvity
Classification: Likely pathogenic for Glycosylphosphatidylinositol biosynthesis defect 15. Last evaluated: 2023-02-01. Review status: criteria provided, single submitter. Criteria: ACMG Guidelines, 2015. Collection method: clinical testing. Allele origin: germline.

Literature cited by the submitters: PubMed 16199547 (cited by Labcorp Genetics (formerly Invitae), Labcorp); PubMed 29100095 (cited by Labcorp Genetics (formerly Invitae), Labcorp).

NM_003801.4(GPAA1):c.616+1G>T

Gene: GPAA1 (glycosylphosphatidylinositol anchor attachment 1; plus strand). Cytogenetic location: 8q24.3.
Variant type: single nucleotide variant.
Coding change: c.616+1G>T on transcript NM_003801.4 (MANE Select); the canonical splice donor site of the intron after coding-DNA position 616, G replaced by T.
Molecular consequence: splice donor variant.
Genome position (GRCh38, 1-based): chr8:144,084,041, G>T. VCF-style: chr8-144084041-G-T. GRCh37 (hg19) VCF-style: chr8-145138944-G-T.
Identifiers: ClinVar variation 1324502 (VCV001324502.7), dbSNP rs1554763955, ClinGen allele CA372599929.